The following is an entry in ClinVar:

ClinVar aggregate classification (germline): Likely pathogenic (1 of 4 stars; one submission).

Conditions:
Immunodeficiency due to CD25 deficiency. Also called: IMMUNODEFICIENCY 41 WITH LYMPHOPROLIFERATION AND AUTOIMMUNITY; CD25 DEFICIENCY; IL2RA DEFICIENCY. Identifiers: Orphanet 169100, MedGen C1853392, MONDO:0011664, OMIM 606367.

Submission:

Labcorp Genetics (formerly Invitae), Labcorp
Classification: Likely pathogenic for Immunodeficiency due to CD25 deficiency. Last evaluated: 2023-06-15. Review status: criteria provided, single submitter. Criteria: Invitae Variant Classification Sherloc (09022015). Collection method: clinical testing. Allele origin: germline.
Comment: This sequence change affects a donor splice site in intron 4 of the IL2RA gene. It is expected to disrupt RNA splicing. Variants that disrupt the donor or acceptor splice site typically lead to a loss of protein function (PMID: 16199547), and loss-of-function variants in IL2RA are known to be pathogenic (PMID: 9096364, 17196245). This variant is not present in population databases (gnomAD no frequency). This variant has not been reported in the literature in individuals affected with IL2RA-related conditions. ClinVar contains an entry for this variant (Variation ID: 1508767). Algorithms developed to predict the effect of sequence changes on RNA splicing suggest that this variant may disrupt the consensus splice site. In summary, the currently available evidence indicates that the variant is pathogenic, but additional data are needed to prove that conclusively. Therefore, this variant has been classified as Likely Pathogenic.

Literature cited by the submitters: PubMed 16199547; PubMed 9096364; PubMed 17196245.

NM_000417.3(IL2RA):c.583+2T>C

Gene: IL2RA (interleukin 2 receptor subunit alpha; minus strand). Cytogenetic location: 10p15.1.
Variant type: single nucleotide variant.
Coding change: c.583+2T>C on transcript NM_000417.3 (MANE Select); the canonical splice donor site of the intron after coding-DNA position 583, T replaced by C.
Molecular consequence: splice donor variant. On other transcripts: intron variant (2).
Genome position (GRCh38, 1-based): chr10:6,021,476, A>G on the plus strand (T>C on the coding strand, the complement: IL2RA is on the minus strand). VCF-style: chr10-6021476-A-G. GRCh37 (hg19) VCF-style: chr10-6063439-A-G.
Other names: c.368-1977T>C (NM_001308243.2); c.368-1535T>C (NM_001308242.2).
Identifiers: ClinVar variation 1508767 (VCV001508767.6), dbSNP rs2132853537, ClinGen allele CA375926289.